The following is an entry in ClinVar:

ClinVar aggregate classification (germline): Likely benign. Review status: criteria provided, single submitter (1 of 4 stars). 2 submissions from 2 submitters: Likely benign (1). 1 of the submissions does not count toward it. Last evaluated 2018-02-08.

Conditions:
DNAH10-related disorder. Also called: DNAH10-related condition.

Allele frequency attached by ClinVar (database versions not stated): gnomAD exomes 0.00035 and 0.00112; ESP Exome Variant Server 0.00084; ExAC 0.00108; TOPMed 0.00113; 1000 Genomes Project 0.00140; 1000 Genomes Project 30x 0.00187.
gnomAD v4.1: 640 of 1,613,650 alleles (0.04%); highest among the groups gnomAD compares: Admixed American, 0.38%; 3 homozygotes.

Submissions (2):

Labcorp Genetics (formerly Invitae), Labcorp
Classification: Likely benign. Last evaluated: 2018-02-08. Review status: criteria provided, single submitter. Criteria: Invitae Variant Classification Sherloc (09022015). Collection method: clinical testing. Allele origin: germline.

PreventionGenetics, part of Exact Sciences
Classification: Likely benign for DNAH10-related condition. Last evaluated: 2019-06-12. Review status: no assertion criteria provided. Collection method: clinical testing. Allele origin: germline. Not counted in ClinVar's aggregate classification.
Comment: This variant is classified as likely benign based on ACMG/AMP sequence variant interpretation guidelines (Richards et al. 2015 PMID: 25741868, with internal and published modifications).

NM_001372106.1(DNAH10):c.4441G>A (p.Glu1481Lys)

Gene: DNAH10 (dynein axonemal heavy chain 10; plus strand). Cytogenetic location: 12q24.31.
Variant type: single nucleotide variant.
Coding change: c.4441G>A on transcript NM_001372106.1 (MANE Select); coding-DNA position 4441, G replaced by A.
Protein change: p.Glu1481Lys; replaces glutamic acid 1481 with lysine.
Molecular consequence: missense variant.
Genome position (GRCh38, 1-based): chr12:123,830,595, G>A. VCF-style: chr12-123830595-G-A. GRCh37 (hg19) VCF-style: chr12-124315142-G-A.
Other names: c.4087G>A, p.Glu1363Lys (NM_207437.3); short protein forms E1363K, E1481K.
Identifiers: ClinVar variation 730969 (VCV000730969.5), dbSNP rs185091217, ClinGen allele CA6863583.